The following is an entry in ClinVar:

ClinVar aggregate classification (germline): Benign. Review status: criteria provided, multiple submitters, no conflicts (2 of 4 stars). 3 submissions from 3 submitters: Benign (2). 1 of the submissions does not count toward it. Last evaluated 2026-01-19.

Conditions:
RNF213-related disorder. Also called: RNF213-related condition.

Allele frequency attached by ClinVar (database versions not stated): ESP Exome Variant Server 0.00154; gnomAD 0.00753 and 0.00951; ExAC 0.01841; gnomAD exomes 0.02032 and 0.00726; 1000 Genomes Project 0.03015; TOPMed 0.01268; 1000 Genomes Project 30x 0.02889.
gnomAD v4.1: 12,166 of 1,614,192 alleles (0.75%); highest among the groups gnomAD compares: East Asian, 15%; 591 homozygotes.

Submissions (3):

Labcorp Genetics (formerly Invitae), Labcorp
Classification: Benign. Last evaluated: 2026-01-19. Review status: criteria provided, single submitter. Criteria: Invitae Variant Classification Sherloc (09022015). Collection method: clinical testing. Allele origin: germline.

Breakthrough Genomics
Classification: Benign. Review status: criteria provided, single submitter. Criteria: ACMG Guidelines, 2015. Collection method: not provided. Allele origin: germline. Inheritance: Autosomal dominant inheritance. Affected: yes.

PreventionGenetics, part of Exact Sciences
Classification: Benign for RNF213-related condition. Last evaluated: 2019-04-09. Review status: no assertion criteria provided. Collection method: clinical testing. Allele origin: germline. Not counted in ClinVar's aggregate classification.
Comment: This variant is classified as benign based on ACMG/AMP sequence variant interpretation guidelines (Richards et al. 2015 PMID: 25741868, with internal and published modifications).

NM_001256071.3(RNF213):c.11988G>A (p.Pro3996=)

Genes: RNF213 (ring finger protein 213; plus strand), RNF213-AS1 (RNF213 antisense RNA 1; minus strand). Cytogenetic location: 17q25.3.
Variant type: single nucleotide variant.
Coding change: c.11988G>A on transcript NM_001256071.3 (MANE Select); coding-DNA position 11988, G replaced by A.
Protein change: p.Pro3996=; no amino-acid change (proline 3996 retained).
Molecular consequence: synonymous variant.
Genome position (GRCh38, 1-based): chr17:80,367,976, G>A. VCF-style: chr17-80367976-G-A. GRCh37 (hg19) VCF-style: chr17-78341776-G-A.
Other names: c.11988G>A (NM_001256071.2).
Identifiers: ClinVar variation 1549558 (VCV001549558.11), dbSNP rs77506504, ClinGen allele CA8822052.